The following is an entry in ClinVar:

ClinVar aggregate classification (germline): Uncertain significance. Review status: criteria provided, multiple submitters, no conflicts (2 of 4 stars). 2 submissions from 2 submitters: Uncertain significance (2). Last evaluated 2025-07-16.

Conditions:
Inborn genetic diseases. Identifiers: MedGen C0950123, MeSH D030342.
COG6-congenital disorder of glycosylation. Also called: COG6-CGD; CONGENITAL DISORDER OF GLYCOSYLATION, TYPE IIl; CDG IIl; COG6-ongenital disorder of glycosylation. Identifiers: Orphanet 464443, MedGen C3553230, MONDO:0013810, OMIM 614576.

Allele frequency attached by ClinVar (database versions not stated): gnomAD exomes below 0.00001 and 0.00001; ExAC 0.00001; gnomAD 0.00001 and 0.00002; TOPMed 0.00002; ESP Exome Variant Server 0.00008.

Submissions (2):

Ambry Genetics
Classification: Uncertain significance for Inborn genetic diseases. Last evaluated: 2025-07-16. Review status: criteria provided, single submitter. Criteria: Ambry Variant Classification Scheme 2023. Collection method: clinical testing. Allele origin: germline.

Baylor Genetics
Classification: Uncertain significance for COG6-congenital disorder of glycosylation. Last evaluated: 2018-12-28. Review status: criteria provided, single submitter. Criteria: ACMG Guidelines, 2015. Collection method: clinical testing. Allele origin: unknown. Affected: yes.
Comment: This variant was determined to be of uncertain significance according to ACMG Guidelines, 2015 [PMID:25741868].

NM_020751.3(COG6):c.783A>T (p.Leu261Phe)

Gene: COG6 (component of oligomeric golgi complex 6; plus strand). Cytogenetic location: 13q14.11.
Variant type: single nucleotide variant.
Coding change: c.783A>T on transcript NM_020751.3 (MANE Select); coding-DNA position 783, A replaced by T.
Protein change: p.Leu261Phe; replaces leucine 261 with phenylalanine.
Molecular consequence: missense variant. On other transcripts: non-coding transcript variant (1).
Genome position (GRCh38, 1-based): chr13:39,682,259, A>T. VCF-style: chr13-39682259-A-T. GRCh37 (hg19) VCF-style: chr13-40256396-A-T.
Other names: c.783A>T, p.Leu261Phe (NM_001145079.2); short protein forms L261F.
Identifiers: ClinVar variation 1032097 (VCV001032097.2), dbSNP rs199694513, ClinGen allele CA6958437.
Genomic context (GRCh38, chr13:39,682,259, plus strand): 5'-ATGTGACGTATCTCCAGTATTGACACAGGCAATGGAAGCCCTGCAGGACAGACCTGTCTT[A>T]TATAAGTTGGTGACTTTTTCTTAATTAAAAATGAAAGCCTACTTTTCTTTTGATATCTTA-3'
Protein context (NP_065802.1, residues 251-271): AMEALQDRPV[Leu261Phe]YKYTLDEFGT